The following is an entry in ClinVar:

ClinVar aggregate classification (germline): Uncertain significance (1 of 4 stars; one submission).

Conditions:
Familial focal epilepsy with variable foci (FPEVF). Identifiers: Orphanet 98820, MedGen C1858477, MONDO:0020310.

Allele frequency attached by ClinVar (database versions not stated): gnomAD exomes below 0.00001 and 0.00001; TOPMed below 0.00001; ExAC 0.00001; gnomAD 0.00001.
gnomAD v4.1: 14 of 1,613,980 alleles (0.00087%); highest among the groups gnomAD compares: Non-Finnish European, 0.0012%; no homozygotes.

Submission:

Labcorp Genetics (formerly Invitae), Labcorp
Classification: Uncertain significance for Familial focal epilepsy with variable foci. Last evaluated: 2024-10-30. Review status: criteria provided, single submitter. Criteria: Invitae Variant Classification Sherloc (09022015). Collection method: clinical testing. Allele origin: germline.
Comment: This sequence change replaces arginine, which is basic and polar, with tryptophan, which is neutral and slightly polar, at codon 1571 of the DEPDC5 protein (p.Arg1571Trp). This variant is present in population databases (rs778708641, gnomAD 0.002%). This missense change has been observed in individual(s) with Ohtahara syndrome and developmental delay (PMID: 31957018). ClinVar contains an entry for this variant (Variation ID: 1510391). Experimental studies and prediction algorithms are not available or were not evaluated, and the functional significance of this variant is currently unknown. In summary, the available evidence is currently insufficient to determine the role of this variant in disease. Therefore, it has been classified as a Variant of Uncertain Significance.

Literature cited by the submitters: PubMed 31957018.

NM_001242896.3(DEPDC5):c.4711C>T (p.Arg1571Trp)

Gene: DEPDC5 (DEP domain containing 5, GATOR1 subcomplex subunit; plus strand). Cytogenetic location: 22q12.3.
Variant type: single nucleotide variant.
Coding change: c.4711C>T on transcript NM_001242896.3 (MANE Select); coding-DNA position 4711, C replaced by T.
Protein change: p.Arg1571Trp; replaces arginine 1571 with tryptophan.
Molecular consequence: missense variant. On other transcripts: non-coding transcript variant (5).
Genome position (GRCh38, 1-based): chr22:31,906,396, C>T. VCF-style: chr22-31906396-C-T. GRCh37 (hg19) VCF-style: chr22-32302382-C-T.
Other names: c.4684C>T, p.Arg1562Trp (NM_001136029.4); c.4411C>T, p.Arg1471Trp (NM_001242897.2); c.4645C>T, p.Arg1549Trp (NM_001363852.2, NM_001364320.2); c.4477C>T, p.Arg1493Trp (NM_001363854.2, NM_001364319.2); c.4711C>T, p.Arg1571Trp (NM_001364318.2); c.4627C>T, p.Arg1543Trp (NM_001369901.1, NM_001369902.1); c.4618C>T, p.Arg1540Trp (NM_001369903.1, NM_014662.6); short protein forms R1543W, R1549W, R1562W, R1471W, R1540W, R1571W, R1493W.
Identifiers: ClinVar variation 1510391 (VCV001510391.6), dbSNP rs778708641, ClinGen allele CA10197320.